The following is an entry in ClinVar:

ClinVar aggregate classification (germline): Uncertain significance (1 of 4 stars; one submission).

Allele frequency attached by ClinVar (database versions not stated): gnomAD exomes below 0.00001.
gnomAD v4.1: 1 of 1,613,992 alleles (0.000062%); highest among the groups gnomAD compares: Non-Finnish European, 0.000085%; no homozygotes.

Submission:

Women's Health and Genetics/Laboratory Corporation of America, LabCorp
Classification: Uncertain significance. Last evaluated: 2023-10-24. Review status: criteria provided, single submitter. Criteria: LabCorp Variant Classification Summary - May 2015. Collection method: clinical testing. Allele origin: germline.
Comment: Variant summary: CHD8 c.2611A>G (p.Ile871Val) results in a conservative amino acid change in the encoded protein sequence. Three of five in-silico tools predict a benign effect of the variant on protein function. The variant allele was found at a frequency of 4e-06 in 249150 control chromosomes (gnomAD). The available data on variant occurrences in the general population are insufficient to allow any conclusion about variant significance. To our knowledge, no occurrence of c.2611A>G in individuals affected with CHD8-Related Disorders and no experimental evidence demonstrating its impact on protein function have been reported. No submitters have cited clinical-significance assessments for this variant to ClinVar after 2014. Based on the evidence outlined above, the variant was classified as uncertain significance.

NM_001170629.2(CHD8):c.2611A>G (p.Ile871Val)

Gene: CHD8 (chromodomain helicase DNA binding protein 8; minus strand). Cytogenetic location: 14q11.2.
Variant type: single nucleotide variant.
Coding change: c.2611A>G on transcript NM_001170629.2 (MANE Select); coding-DNA position 2611, A replaced by G.
Protein change: p.Ile871Val; replaces isoleucine 871 with valine.
Molecular consequence: missense variant.
Genome position (GRCh38, 1-based): chr14:21,408,431, T>C on the plus strand (A>G on the coding strand, the complement: CHD8 is on the minus strand). VCF-style: chr14-21408431-T-C. GRCh37 (hg19) VCF-style: chr14-21876590-T-C.
Other names: c.1774A>G, p.Ile592Val (NM_020920.4); short protein forms I592V, I871V.
Identifiers: ClinVar variation 2637433 (VCV002637433.1), dbSNP rs1157795085, ClinGen allele CA388875771.
Genomic context (GRCh38, chr14:21,408,431, plus strand): 5'-CATGGTACACAATAGTGTTCATTTCTGTCCATGTATTAAATTCTCGCTCCCAGTTAGTAA[T>C]TGTGGACAGTGGGGCAATGACCAAGAAGGGACCATGGATGCCCACATTATATACTTCCTG-3'
Protein context (NP_001164100.1, residues 861-881): PFLVIAPLST[Ile871Val]TNWEREFNTW